The following is an entry in ClinVar:

NM_000452.3(SLC10A2):c.500C>T (p.Thr167Ile)

Gene: SLC10A2 (solute carrier family 10 member 2; minus strand). Cytogenetic location: 13q33.1.
Variant type: single nucleotide variant.
Coding change: c.500C>T on transcript NM_000452.3 (MANE Select); coding-DNA position 500, C replaced by T.
Protein change: p.Thr167Ile; replaces threonine 167 with isoleucine.
Molecular consequence: missense variant.
Genome position (GRCh38, 1-based): chr13:103,052,705, G>A on the plus strand (C>T on the coding strand, the complement: SLC10A2 is on the minus strand). VCF-style: chr13-103052705-G-A. GRCh37 (hg19) VCF-style: chr13-103705055-G-A.
Other names: c.500C>T (NM_000452.2); short protein forms T167I.
Identifiers: ClinVar variation 596759 (VCV000596759.10), dbSNP rs202168953, ClinGen allele CA7042180.

ClinVar aggregate classification (germline): Uncertain significance. Review status: criteria provided, multiple submitters, no conflicts (2 of 4 stars). 3 submissions from 3 submitters: Uncertain significance (3). Last evaluated 2026-06-19.

Conditions:
SLC10A2-related disorder. Also called: SLC10A2-related condition.

Allele frequency attached by ClinVar (database versions not stated): ExAC 0.00016; gnomAD exomes 0.00024 and 0.00051; ESP Exome Variant Server 0.00031; TOPMed 0.00034; gnomAD 0.00042 and 0.00043.
gnomAD v4.1: 775 of 1,591,182 alleles (0.049%); highest among the groups gnomAD compares: Non-Finnish European, 0.063%; no homozygotes.

Submissions (3):

PreventionGenetics, part of Exact Sciences
Classification: Uncertain significance for SLC10A2-related condition. Last evaluated: 2026-06-19. Review status: criteria provided, single submitter. Criteria: ACMG Guidelines, 2015. Collection method: clinical testing. Allele origin: germline.
Comment: The SLC10A2 c.500C>T variant is predicted to result in the amino acid substitution p.Thr167Ile. To our knowledge, this variant has not been reported in the literature. This variant is reported in 0.041% of alleles in individuals of European (Non-Finnish) descent in gnomAD. At this time, the clinical significance of this variant is uncertain due to the absence of conclusive functional and genetic evidence.

Labcorp Genetics (formerly Invitae), Labcorp
Classification: Uncertain significance. Last evaluated: 2025-12-24. Review status: criteria provided, single submitter. Criteria: Invitae Variant Classification Sherloc (09022015). Collection method: clinical testing. Allele origin: germline.
Comment: This sequence change replaces threonine, which is neutral and polar, with isoleucine, which is neutral and non-polar, at codon 167 of the SLC10A2 protein (p.Thr167Ile). This variant is present in population databases (rs202168953, gnomAD 0.04%). This variant has not been reported in the literature in individuals affected with SLC10A2-related conditions. ClinVar contains an entry for this variant (Variation ID: 596759). Invitae Evidence Modeling of protein sequence and biophysical properties (such as structural, functional, and spatial information, amino acid conservation, physicochemical variation, residue mobility, and thermodynamic stability) indicates that this missense variant is not expected to disrupt SLC10A2 protein function with a negative predictive value of 80%. In summary, the available evidence is currently insufficient to determine the role of this variant in disease. Therefore, it has been classified as a Variant of Uncertain Significance.

Eurofins Ntd Llc (ga)
Classification: Uncertain significance. Last evaluated: 2018-04-03. Review status: criteria provided, single submitter. Criteria: EGL ClinVar v180209 classification definitions. Collection method: clinical testing. Allele origin: germline. Observed: 2 variant alleles, 2 heterozygotes.